The following is an entry in ClinVar:

NM_024757.5(EHMT1):c.229G>C (p.Ala77Pro)

Gene: EHMT1 (euchromatic histone lysine methyltransferase 1; plus strand). Cytogenetic location: 9q34.3.
Variant type: single nucleotide variant.
Coding change: c.229G>C on transcript NM_024757.5 (MANE Select); coding-DNA position 229, G replaced by C.
Protein change: p.Ala77Pro; replaces alanine 77 with proline.
Molecular consequence: missense variant.
Genome position (GRCh38, 1-based): chr9:137,716,769, G>C. VCF-style: chr9-137716769-G-C. GRCh37 (hg19) VCF-style: chr9-140611221-G-C.
Other names: c.229G>C, p.Ala77Pro (NM_001145527.2, NM_001354263.2, NM_001354611.2); c.136G>C, p.Ala46Pro (NM_001354259.2, NM_001354612.2); short protein forms A77P, A46P.
Identifiers: ClinVar variation 2265856 (VCV002265856.5), dbSNP rs768764806, ClinGen allele CA201801692.

ClinVar aggregate classification (germline): Uncertain significance. Review status: criteria provided, multiple submitters, no conflicts (2 of 4 stars). 2 submissions from 2 submitters: Uncertain significance (2). Last evaluated 2023-04-28.

Conditions:
Inborn genetic diseases. Identifiers: MedGen C0950123, MeSH D030342.
Kleefstra syndrome 1 (KLEFS1). Identifiers: Orphanet 261494, MedGen C0795833, MONDO:0027407, OMIM 610253.

gnomAD v4.1: 1 of 1,613,004 alleles (0.000062%); no homozygotes.

Submissions (2):

Labcorp Genetics (formerly Invitae), Labcorp
Classification: Uncertain significance for Kleefstra syndrome 1. Last evaluated: 2023-04-28. Review status: criteria provided, single submitter. Criteria: Invitae Variant Classification Sherloc (09022015). Collection method: clinical testing. Allele origin: germline.
Comment: In summary, the available evidence is currently insufficient to determine the role of this variant in disease. Therefore, it has been classified as a Variant of Uncertain Significance. An algorithm developed to predict the effect of missense changes on protein structure and function (PolyPhen-2) suggests that this variant is likely to be tolerated. ClinVar contains an entry for this variant (Variation ID: 2265856). This variant has not been reported in the literature in individuals affected with EHMT1-related conditions. This variant is not present in population databases (gnomAD no frequency). This sequence change replaces alanine, which is neutral and non-polar, with proline, which is neutral and non-polar, at codon 77 of the EHMT1 protein (p.Ala77Pro).

Ambry Genetics
Classification: Uncertain significance for Inborn genetic diseases. Last evaluated: 2021-12-07. Review status: criteria provided, single submitter. Criteria: Ambry Variant Classification Scheme 2023. Collection method: clinical testing. Allele origin: germline.